The following is an entry in ClinVar:

ClinVar aggregate classification (germline): Uncertain significance (1 of 4 stars; one submission).

Conditions:
Emery-Dreifuss muscular dystrophy 5, autosomal dominant (EDMD5). Also called: EMERY-DREIFUSS MUSCULAR DYSTROPHY 5. Identifiers: Orphanet 261, MedGen C2751805, MONDO:0013072, OMIM 612999.

Submission:

Labcorp Genetics (formerly Invitae), Labcorp
Classification: Uncertain significance for Emery-Dreifuss muscular dystrophy 5, autosomal dominant. Last evaluated: 2025-01-20. Review status: criteria provided, single submitter. Criteria: Invitae Variant Classification Sherloc (09022015). Collection method: clinical testing. Allele origin: germline.
Comment: This sequence change affects a splice site in intron 94 of the SYNE2 gene. It is expected to disrupt RNA splicing. Variants that disrupt the donor or acceptor splice site typically lead to a loss of protein function (PMID: 16199547), however the current clinical and genetic evidence is not sufficient to establish whether loss-of-function variants in SYNE2 cause disease. This variant is not present in population databases (gnomAD no frequency). This variant has not been reported in the literature in individuals affected with SYNE2-related conditions. ClinVar contains an entry for this variant (Variation ID: 3012584). Algorithms developed to predict the effect of sequence changes on RNA splicing suggest that this variant may disrupt the consensus splice site. In summary, the available evidence is currently insufficient to determine the role of this variant in disease. Therefore, it has been classified as a Variant of Uncertain Significance.

Literature cited by the submitters: PubMed 16199547.

NM_182914.3(SYNE2):c.17235+1_17235+4del

Gene: SYNE2 (spectrin repeat containing nuclear envelope protein 2; plus strand). Cytogenetic location: 14q23.2.
Variant type: Deletion.
Coding change: c.17235+1_17235+4del on transcript NM_182914.3 (MANE Select); the canonical splice donor site of the intron after coding-DNA position 17235 through 4 bases into the intron after coding-DNA position 17235, 4 bases deleted (GTAG; older notation c.17235+1_17235+4delGTAG).
Molecular consequence: splice donor variant.
Genome position (GRCh38, 1-based): chr14:64,170,463-64,170,466, GTAG deleted; deleting any 4 consecutive bases within chr14:64,170,461-64,170,466 gives the same sequence; the c. name uses the placement nearest the transcript's 3' end. VCF-style (leftmost placement, unchanged base first): chr14-64170460-AAGGT-A. GRCh37 (hg19) VCF-style: chr14-64637178-AAGGT-A.
Other names: c.17235+1_17235+4del (NM_015180.6).
Identifiers: ClinVar variation 3012584 (VCV003012584.3), dbSNP rs2549609935, ClinGen allele CA2740097098.